The following is an entry in ClinVar:

ClinVar aggregate classification (germline): Uncertain significance (1 of 4 stars; one submission).

Submission:

Labcorp Genetics (formerly Invitae), Labcorp
Classification: Uncertain significance. Last evaluated: 2023-12-14. Review status: criteria provided, single submitter. Criteria: Invitae Variant Classification Sherloc (09022015). Collection method: clinical testing. Allele origin: germline.
Comment: This variant, c.547_549dup, results in the insertion of 1 amino acid(s) of the SLCO5A1 protein (p.Val183dup), but otherwise preserves the integrity of the reading frame. This variant is present in population databases (rs780752057, gnomAD 0.003%). This variant has not been reported in the literature in individuals affected with SLCO5A1-related conditions. In summary, the available evidence is currently insufficient to determine the role of this variant in disease. Therefore, it has been classified as a Variant of Uncertain Significance.

NM_030958.3(SLCO5A1):c.538GTG[5] (p.Val183_Phe184insVal)

Gene: SLCO5A1 (solute carrier organic anion transporter family member 5A1; minus strand). Cytogenetic location: 8q13.3.
Variant type: Microsatellite.
Coding change: c.538GTG[5] on transcript NM_030958.3 (MANE Select); five copies in a row of the 3-base unit GTG starting at c.538; the reference has four copies in a row; one copy, 3 bases duplicated.
Protein change: p.Val183_Phe184insVal.
Molecular consequence: inframe insertion.
Genome position (GRCh38, 1-based): chr8:69,832,125-69,832,127, CAC duplicated on the plus strand (GTG on the coding strand, the reverse complement: SLCO5A1 is on the minus strand); duplicating any 3 consecutive bases within chr8:69,832,125-69,832,138 gives the same sequence; the position shown is the placement nearest the transcript's 3' end. VCF-style (leftmost placement, unchanged base first): chr8-69832124-A-ACAC. GRCh37 (hg19) VCF-style: chr8-70744359-A-ACAC.
Other names: c.538GTG[5], p.Val183_Phe184insVal (NM_001146008.2, NM_001146009.1).
Identifiers: ClinVar variation 2796872 (VCV002796872.3), dbSNP rs770596818, ClinGen allele CA4776795.